The following is an entry in ClinVar:

ClinVar aggregate classification (germline): Uncertain significance (1 of 4 stars; one submission).

Conditions:
Hereditary cancer-predisposing syndrome. Also called: Tumor predisposition; Hereditary neoplastic syndrome; Neoplastic Syndromes, Hereditary; Hereditary Cancer Syndrome. Identifiers: Orphanet 140162, MedGen C0027672, MeSH D009386, MONDO:0015356.

Submission:

Ambry Genetics
Classification: Uncertain significance for Hereditary cancer-predisposing syndrome. Last evaluated: 2025-05-21. Review status: criteria provided, single submitter. Criteria: Ambry Variant Classification Scheme 2023. Collection method: clinical testing. Allele origin: germline.
Comment: The p.S155T variant (also known as c.463T>A), located in coding exon 3 of the CHEK2 gene, results from a T to A substitution at nucleotide position 463. The serine at codon 155 is replaced by threonine, an amino acid with similar properties. This amino acid position is well conserved in available vertebrate species. In addition, the in silico prediction for this alteration is inconclusive. Based on the available evidence, the clinical significance of this variant remains unclear.

NM_007194.4(CHEK2):c.463T>A (p.Ser155Thr)

Gene: CHEK2 (checkpoint kinase 2; minus strand). Cytogenetic location: 22q12.1.
Variant type: single nucleotide variant.
Coding change: c.463T>A on transcript NM_007194.4 (MANE Select); coding-DNA position 463, T replaced by A.
Protein change: p.Ser155Thr; replaces serine 155 with threonine.
Molecular consequence: missense variant. On other transcripts: 5 prime UTR variant (2), intron variant (1).
Genome position (GRCh38, 1-based): chr22:28,725,106, A>T on the plus strand (T>A on the coding strand, the complement: CHEK2 is on the minus strand). VCF-style: chr22-28725106-A-T. GRCh37 (hg19) VCF-style: chr22-29121094-A-T.
Other names: c.592T>A, p.Ser198Thr (NM_001005735.3, NM_001438294.1); c.-315T>A (NM_001257387.3); c.-201T>A (NM_001437942.1); c.556T>A, p.Ser186Thr (NM_001438293.1, NM_001438295.1); c.463T>A, p.Ser155Thr (NM_145862.3); c.444+137T>A (NM_001349956.3); short protein forms S155T, S198T, S186T.
Identifiers: ClinVar variation 4002268 (VCV004002268.1).
Genomic context (GRCh38, chr22:28,725,106, plus strand): 5'-CAAGCTCTGTATTTACAAAGGTTCCATTGCCACTGTGATCTTCTATGTATGCAATGTAAG[A>T]GTTTTTAGGACCCACTTCCTAAAATAGAGAACATTTTGTTTCAGACTTTGAATAGCAGAG-3'
Protein context (NP_009125.1, residues 145-165): RIFREVGPKN[Ser155Thr]YIAYIEDHSG